The following is an entry in ClinVar:

NM_019045.5(WDR44):c.1166T>G (p.Met389Arg)

Gene: WDR44 (WD repeat domain 44; plus strand). Cytogenetic location: Xq24.
Variant type: single nucleotide variant.
Coding change: c.1166T>G on transcript NM_019045.5 (MANE Select); coding-DNA position 1166, T replaced by G.
Protein change: p.Met389Arg; replaces methionine 389 with arginine.
Molecular consequence: missense variant.
Genome position (GRCh38, 1-based): chrX:118,397,082, T>G. VCF-style: chrX-118397082-T-G. GRCh37 (hg19) VCF-style: chrX-117531045-T-G.
Other names: c.1166T>G, p.Met389Arg (NM_001184965.2); c.1091T>G, p.Met364Arg (NM_001184966.1); short protein forms M364R, M389R.
Identifiers: ClinVar variation 3342648 (VCV003342648.1).

ClinVar aggregate classification (germline): Uncertain significance (1 of 4 stars; one submission).

Submission:

GeneDx
Classification: Uncertain significance. Last evaluated: 2022-10-03. Review status: criteria provided, single submitter. Criteria: GeneDx Variant Classification Process June 2021. Collection method: clinical testing. Allele origin: germline. Affected: yes.
Comment: Not observed at significant frequency in large population cohorts (gnomAD); In silico analysis supports that this missense variant has a deleterious effect on protein structure/function; Has not been previously published as pathogenic or benign to our knowledge; Variants in candidate genes are classified as variants of uncertain significance in accordance with ACMG guidelines (Richards et al., 2015)